The following is an entry in ClinVar:

ClinVar aggregate classification (germline): Likely benign (1 of 4 stars; one submission).

Conditions:
INVS-related disorder. Also called: INVS-related condition.

gnomAD v4.1: 1 of 1,601,422 alleles (0.000062%); highest among the groups gnomAD compares: African/African-American, 0.0013%; no homozygotes.

Submission:

PreventionGenetics, part of Exact Sciences
Classification: Likely benign for INVS-related condition. Last evaluated: 2026-06-25. Review status: criteria provided, single submitter. Criteria: ACMG Guidelines, 2015. Collection method: clinical testing. Allele origin: germline.
Comment: This variant is classified as likely benign based on ACMG/AMP sequence variant interpretation guidelines (Richards et al. 2015 PMID: 25741868, with internal and published modifications).

NM_014425.5(INVS):c.1464+6A>T

Gene: INVS (inversin; plus strand). Cytogenetic location: 9q31.1.
Variant type: single nucleotide variant.
Coding change: c.1464+6A>T on transcript NM_014425.5 (MANE Select); 6 bases into the intron after coding-DNA position 1464, A replaced by T.
Molecular consequence: intron variant.
Genome position (GRCh38, 1-based): chr9:100,253,142, A>T. VCF-style: chr9-100253142-A-T. GRCh37 (hg19) VCF-style: chr9-103015424-A-T.
Other names: c.1176+6A>T (NM_001318381.2); c.486+6A>T (NM_001318382.2).
Identifiers: ClinVar variation 5001242 (VCV005001242.1).